The following is an entry in ClinVar:

NM_005751.5(AKAP9):c.10498G>A (p.Glu3500Lys)

Gene: AKAP9 (A-kinase anchoring protein 9; plus strand). Cytogenetic location: 7q21.2.
Variant type: single nucleotide variant.
Coding change: c.10498G>A on transcript NM_005751.5 (MANE Select); coding-DNA position 10498, G replaced by A.
Protein change: p.Glu3500Lys; replaces glutamic acid 3500 with lysine.
Molecular consequence: missense variant.
Genome position (GRCh38, 1-based): chr7:92,097,685, G>A. VCF-style: chr7-92097685-G-A. GRCh37 (hg19) VCF-style: chr7-91726999-G-A.
Other names: c.5143G>A, p.Glu1715Lys (NM_001379277.1); c.10474G>A, p.Glu3492Lys (NM_147185.3); short protein forms E1715K, E3492K, E3500K.
Identifiers: ClinVar variation 4767589 (VCV004767589.1).
Genomic context (GRCh38, chr7:92,097,685, plus strand): 5'-TGGGTTCTTCAACAGAAAATAGAAGGAGAAACAAAAGAATCAAACTACGCTAAATTGATT[G>A]AAATGAATGGAGGAGGAACCGGCTGTAATCATGAATTAGAAATGATCAGACAAAAGCTTC-3'
Protein context (NP_005742.4, residues 3490-3510): TKESNYAKLI[Glu3500Lys]MNGGGTGCNH

ClinVar aggregate classification (germline): Uncertain significance (1 of 4 stars; one submission).

Conditions:
Long QT syndrome (LQTS). Identifiers: MedGen C0023976, MeSH D008133, MONDO:0002442. Disease mechanism: loss of function. Inheritance: Various modes of inheritance.

Submission:

Labcorp Genetics (formerly Invitae), Labcorp
Classification: Uncertain significance for Long QT syndrome. Last evaluated: 2025-04-17. Review status: criteria provided, single submitter. Criteria: Invitae Variant Classification Sherloc (09022015). Collection method: clinical testing. Allele origin: germline.
Comment: This sequence change replaces glutamic acid, which is acidic and polar, with lysine, which is basic and polar, at codon 3500 of the AKAP9 protein (p.Glu3500Lys). This variant is not present in population databases (gnomAD no frequency). This variant has not been reported in the literature in individuals affected with AKAP9-related conditions. An algorithm developed to predict the effect of missense changes on protein structure and function (PolyPhen-2) suggests that this variant is likely to be disruptive. In summary, the available evidence is currently insufficient to determine the role of this variant in disease. Therefore, it has been classified as a Variant of Uncertain Significance.